The following is an entry in ClinVar:

NM_198253.3(TERT):c.2418C>T (p.Phe806=)

Gene: TERT (telomerase reverse transcriptase; minus strand). Cytogenetic location: 5p15.33.
Variant type: single nucleotide variant.
Coding change: c.2418C>T on transcript NM_198253.3 (MANE Select); coding-DNA position 2418, C replaced by T.
Protein change: p.Phe806=; no amino-acid change (phenylalanine 806 retained).
Molecular consequence: synonymous variant.
Genome position (GRCh38, 1-based): chr5:1,271,169, G>A on the plus strand (C>T on the coding strand, the complement: TERT is on the minus strand). VCF-style: chr5-1271169-G-A. GRCh37 (hg19) VCF-style: chr5-1271284-G-A.
Other names: c.2418C>T, p.Phe806= (NM_001193376.3).
Identifiers: ClinVar variation 539232 (VCV000539232.15), dbSNP rs372497245, ClinGen allele CA3184522.

ClinVar aggregate classification (germline): Likely benign. Review status: criteria provided, multiple submitters, no conflicts (2 of 4 stars). 3 submissions from 3 submitters: Likely benign (2). 1 of the submissions does not count toward it. Last evaluated 2026-01-27.

Conditions:
Dyskeratosis congenita, autosomal dominant 2. Identifiers: MedGen C3151443, MONDO:0013521, OMIM 613989.
Idiopathic Pulmonary Fibrosis. Also called: Idiopathic fibrosing alveolitis, chronic form; idiopathic fibrosing alveolitis. Identifiers: Orphanet 2032, MedGen C1800706, MeSH D054990, MONDO:0800504.
TERT-related disorder. Also called: TERT-related condition; TERT-related disorders.
Dyskeratosis congenita. Identifiers: Orphanet 1775, MedGen C0265965, MONDO:0015780.

Allele frequency attached by ClinVar (database versions not stated): ExAC 0.00003; gnomAD exomes 0.00003 and 0.00006; TOPMed 0.00005; gnomAD 0.00006; ESP Exome Variant Server 0.00008.
gnomAD v4.1: 101 of 1,613,080 alleles (0.0063%); highest among the groups gnomAD compares: African/African-American, 0.0093%; no homozygotes.

Submissions (3):

Labcorp Genetics (formerly Invitae), Labcorp
Classification: Likely benign for Dyskeratosis congenita, autosomal dominant 2; Idiopathic Pulmonary Fibrosis. Last evaluated: 2026-01-27. Review status: criteria provided, single submitter. Criteria: Invitae Variant Classification Sherloc (09022015). Collection method: clinical testing. Allele origin: germline.

Ambry Genetics
Classification: Likely benign for Dyskeratosis congenita. Last evaluated: 2022-03-07. Review status: criteria provided, single submitter. Criteria: Ambry Variant Classification Scheme 2023. Collection method: clinical testing. Allele origin: germline.

PreventionGenetics, part of Exact Sciences
Classification: Likely benign for TERT-related condition. Last evaluated: 2024-03-27. Review status: no assertion criteria provided. Collection method: clinical testing. Allele origin: germline. Not counted in ClinVar's aggregate classification.
Comment: This variant is classified as likely benign based on ACMG/AMP sequence variant interpretation guidelines (Richards et al. 2015 PMID: 25741868, with internal and published modifications).